The following is an entry in ClinVar:

ClinVar aggregate classification (germline): Uncertain significance. Review status: criteria provided, multiple submitters, no conflicts (2 of 4 stars). 2 submissions from 2 submitters: Uncertain significance (2). Last evaluated 2023-05-01.

Allele frequency attached by ClinVar (database versions not stated): ExAC 0.00001; gnomAD 0.00001; gnomAD exomes 0.00001; TOPMed 0.00002.
gnomAD v4.1: 18 of 1,598,324 alleles (0.0011%); highest among the groups gnomAD compares: Non-Finnish European, 0.0014%; no homozygotes.

Submissions (2):

Labcorp Genetics (formerly Invitae), Labcorp
Classification: Uncertain significance. Last evaluated: 2023-05-01. Review status: criteria provided, single submitter. Criteria: Invitae Variant Classification Sherloc (09022015). Collection method: clinical testing. Allele origin: germline.
Comment: This sequence change replaces arginine, which is basic and polar, with glutamine, which is neutral and polar, at codon 86 of the GINS1 protein (p.Arg86Gln). This variant is present in population databases (rs770084857, gnomAD 0.003%). This variant has not been reported in the literature in individuals affected with GINS1-related conditions. An algorithm developed to predict the effect of missense changes on protein structure and function (PolyPhen-2) suggests that this variant is likely to be disruptive. In summary, the available evidence is currently insufficient to determine the role of this variant in disease. Therefore, it has been classified as a Variant of Uncertain Significance.

Blueprint Genetics
Classification: Uncertain significance. Last evaluated: 2021-11-08. Review status: criteria provided, single submitter. Criteria: ACMG Guidelines, 2015. Collection method: clinical testing. Allele origin: germline.

NM_021067.5(GINS1):c.257G>A (p.Arg86Gln)

Gene: GINS1 (GINS complex subunit 1; plus strand). Cytogenetic location: 20p11.21.
Variant type: single nucleotide variant.
Coding change: c.257G>A on transcript NM_021067.5 (MANE Select); coding-DNA position 257, G replaced by A.
Protein change: p.Arg86Gln; replaces arginine 86 with glutamine.
Molecular consequence: missense variant. On other transcripts: non-coding transcript variant (1), intron variant (1).
Genome position (GRCh38, 1-based): chr20:25,418,122, G>A. VCF-style: chr20-25418122-G-A. GRCh37 (hg19) VCF-style: chr20-25398758-G-A.
Other names: c.257G>A, p.Arg86Gln (NM_001410830.1); c.76-7089G>A (NM_001410831.1); short protein forms R86Q.
Identifiers: ClinVar variation 2916994 (VCV002916994.4), dbSNP rs770084857, ClinGen allele CA9796494.